The following is an entry in ClinVar:

ClinVar aggregate classification (germline): Uncertain significance. Review status: criteria provided, multiple submitters, no conflicts (2 of 4 stars). 2 submissions from 2 submitters: Uncertain significance (2). Last evaluated 2021-11-17.

Conditions:
Inborn genetic diseases. Identifiers: MedGen C0950123, MeSH D030342.

Submissions (2):

Labcorp Genetics (formerly Invitae), Labcorp
Classification: Uncertain significance. Last evaluated: 2021-11-17. Review status: criteria provided, single submitter. Criteria: Invitae Variant Classification Sherloc (09022015). Collection method: clinical testing. Allele origin: germline.
Comment: ClinVar contains an entry for this variant (Variation ID: 985048). This variant has not been reported in the literature in individuals affected with EFL1-related conditions. This variant is not present in population databases (gnomAD no frequency). This sequence change replaces glycine, which is neutral and non-polar, with glutamic acid, which is acidic and polar, at codon 1078 of the EFL1 protein (p.Gly1078Glu). Algorithms developed to predict the effect of missense changes on protein structure and function (SIFT, PolyPhen-2, Align-GVGD) all suggest that this variant is likely to be disruptive. In summary, the available evidence is currently insufficient to determine the role of this variant in disease. Therefore, it has been classified as a Variant of Uncertain Significance.

Ambry Genetics
Classification: Uncertain significance for Inborn genetic diseases. Last evaluated: 2020-03-17. Review status: criteria provided, single submitter. Criteria: Ambry Variant Classification Scheme 2023. Collection method: clinical testing. Allele origin: germline.
Comment: The alteration results in an amino acid change:_x000D_ _x000D_ The c.3233G>A (p.G1078E) alteration is located in exon 20 (coding exon 19) of the EFL1 gene. This alteration results from a G to A substitution at nucleotide position 3233, causing the glycine (G) at amino acid position 1078 to be replaced by a glutamic acid (E). The alteration is not observed in population databases: _x000D_ _x000D_ Based on data from the Genome Aggregation Database (gnomAD), the EFL1 c.3233G>A alteration was not observed, with coverage at this position. The altered amino acid is conserved throughout evolution:_x000D_ _x000D_ The p.G1078 amino acid is conserved in available vertebrate species. The alteration is predicted inconclusive by in silico modeling:_x000D_ _x000D_ The in silico prediction for the p.G1078E alteration is inconclusive. Based on insufficient or conflicting evidence, the clinical significance of this alteration remains unclear.

NM_024580.6(EFL1):c.3233G>A (p.Gly1078Glu)

Gene: EFL1 (elongation factor like GTPase 1; minus strand). Cytogenetic location: 15q25.2.
Variant type: single nucleotide variant.
Coding change: c.3233G>A on transcript NM_024580.6 (MANE Select); coding-DNA position 3233, G replaced by A.
Protein change: p.Gly1078Glu; replaces glycine 1078 with glutamic acid.
Molecular consequence: missense variant. On other transcripts: non-coding transcript variant (1).
Genome position (GRCh38, 1-based): chr15:82,130,503, C>T on the plus strand (G>A on the coding strand, the complement: EFL1 is on the minus strand). VCF-style: chr15-82130503-C-T. GRCh37 (hg19) VCF-style: chr15-82422844-C-T.
Other names: c.3080G>A, p.Gly1027Glu (NM_001040610.3); c.2444G>A, p.Gly815Glu (NM_001322844.2); c.3233G>A, p.Gly1078Glu (NM_001322845.2); short protein forms G1027E, G1078E, G815E.
Identifiers: ClinVar variation 985048 (VCV000985048.6), dbSNP rs2073628340, ClinGen allele CA393280541.